The following is an entry in ClinVar:

NM_000093.5(COL5A1):c.786+8_786+12del

Gene: COL5A1 (collagen type V alpha 1 chain; plus strand). Cytogenetic location: 9q34.3.
Variant type: Deletion.
Coding change: c.786+8_786+12del on transcript NM_000093.5 (MANE Select); bases 8 to 12 of the intron after coding-DNA position 786, 5 bases deleted (AACTC; older notation c.786+8_786+12delAACTC).
Molecular consequence: intron variant.
Genome position (GRCh38, 1-based): chr9:134,727,405-134,727,409, AACTC deleted. VCF-style (leftmost placement, unchanged base first): chr9-134727404-TAACTC-T. GRCh37 (hg19) VCF-style: chr9-137619250-TAACTC-T.
Other names: p.?; c.786+8_786+12del (NM_001278074.1); c.786+8_786+12delAACTC (NM_000093.5).
Identifiers: ClinVar variation 1571000 (VCV001571000.12), dbSNP rs1564414492, ClinGen allele CA918574178.

ClinVar aggregate classification (germline): Likely benign. Review status: criteria provided, multiple submitters, no conflicts (2 of 4 stars). 3 submissions from 3 submitters: Likely benign (3). Last evaluated 2026-01-21.

Conditions:
Ehlers-Danlos syndrome, classic type, 1 (EDSCL1). Also called: EDS I; Ehlers-Danlos syndrome, type 1; EHLERS-DANLOS SYNDROME, GRAVIS TYPE; EHLERS-DANLOS SYNDROME, SEVERE CLASSIC TYPE; Ehlers-Danlos Syndrome, Classic Type, COL5A1-Related. Identifiers: MedGen C0268335, MONDO:0019567, OMIM 130000.

Allele frequency attached by ClinVar (database versions not stated): TOPMed 0.00001; gnomAD exomes 0.00002 and below 0.00001.

Submissions (3):

Labcorp Genetics (formerly Invitae), Labcorp
Classification: Likely benign for Ehlers-Danlos syndrome, classic type, 1. Last evaluated: 2026-01-21. Review status: criteria provided, single submitter. Criteria: Invitae Variant Classification Sherloc (09022015). Collection method: clinical testing. Allele origin: germline.

Women's Health and Genetics/Laboratory Corporation of America, LabCorp
Classification: Likely benign. Last evaluated: 2025-04-23. Review status: criteria provided, single submitter. Criteria: LabCorp Variant Classification Summary - May 2015. Collection method: clinical testing. Allele origin: germline.
Comment: Variant summary: COL5A1 c.786+8_786+12delAACTC alters a nucleotide located at a position not widely known to affect splicing. Consensus agreement among computation tools predicts no significant impact on normal splicing. However, these predictions have yet to be confirmed by functional studies. The variant allele was found at a frequency of 2.2e-05 in 1607136 control chromosomes, predominantly at a frequency of 2.9e-05 within the Non-Finnish European subpopulation in the gnomAD database (v4.1 dataset). This frequency is somewhat lower than the maximum estimated for a pathogenic variant in COL5A1 causing Ehlers-Danlos Syndrome (3.1e-05), allowing no clear conclusions about variant significance. To our knowledge, no occurrence of c.786+8_786+12delAACTC in individuals affected with Ehlers-Danlos Syndrome and no experimental evidence demonstrating its impact on protein function have been reported. ClinVar contains an entry for this variant (Variation ID: 1571000). Based on the evidence outlined above, the variant was classified as likely benign.

Mayo Clinic Laboratories, Mayo Clinic
Classification: Likely benign. Last evaluated: 2025-03-17. Review status: criteria provided, single submitter. Criteria: ACMG Guidelines, 2015. Collection method: clinical testing. Allele origin: germline. Observed: 1 variant allele.
Comment: BP4, BP7